The following is an entry in ClinVar:

NM_007118.4(TRIO):c.4540A>G (p.Met1514Val)

Gene: TRIO (trio Rho guanine nucleotide exchange factor; plus strand). Cytogenetic location: 5p15.2.
Variant type: single nucleotide variant.
Coding change: c.4540A>G on transcript NM_007118.4 (MANE Select); coding-DNA position 4540, A replaced by G.
Protein change: p.Met1514Val; replaces methionine 1514 with valine.
Molecular consequence: missense variant. On other transcripts: non-coding transcript variant (1).
Genome position (GRCh38, 1-based): chr5:14,398,996, A>G. VCF-style: chr5-14398996-A-G. GRCh37 (hg19) VCF-style: chr5-14399105-A-G.
Other names: short protein forms M1514V.
Identifiers: ClinVar variation 3354170 (VCV003354170.2).
Genomic context (GRCh38, chr5:14,398,996, plus strand): 5'-GTGTGGGACCCAAAAACCTTAATTCGAAAGGGTCGAGAACGGCATCTCTTCCTTTTTGAA[A>G]TGTCCTTAGTATTTAGTAAAGAAGTGAAAGATTCCAGTGGGAGAAGCAAGTACCTTTATA-3'
Protein context (NP_009049.2, residues 1504-1524): GRERHLFLFE[Met1514Val]SLVFSKEVKD

ClinVar aggregate classification (germline): Uncertain significance (1 of 4 stars; one submission).

Conditions:
TRIO-related disorder. Also called: TRIO-related condition; TRIO-related disorders.

Submission:

PreventionGenetics, part of Exact Sciences
Classification: Uncertain significance for TRIO-related condition. Last evaluated: 2025-04-09. Review status: criteria provided, single submitter. Criteria: ACMG Guidelines, 2015. Collection method: clinical testing. Allele origin: germline.
Comment: The TRIO c.4540A>G variant is predicted to result in the amino acid substitution p.Met1514Val. To our knowledge, this variant has not been reported in the literature or in a large population database (gnomAD), indicating this variant is rare. At this time, the clinical significance of this variant is uncertain due to the absence of conclusive functional and genetic evidence.